The following is an entry in ClinVar:

NM_015443.4(KANSL1):c.1870C>T (p.Arg624Cys)

Gene: KANSL1 (KAT8 regulatory NSL complex subunit 1). Cytogenetic location: 17q21.31.
Variant type: single nucleotide variant.
Coding change: c.1870C>T on transcript NM_015443.4 (MANE Select); coding-DNA position 1870, C replaced by T.
Protein change: p.Arg624Cys; replaces arginine 624 with cysteine.
Molecular consequence: missense variant.
Genome position (GRCh38, 1-based): chr17:46,050,683, G>A on the plus strand (C>T on the coding strand, the complement: KANSL1 is on the minus strand). VCF-style: chr17-46050683-G-A. GRCh37 (hg19) VCF-style: chr17-44128049-G-A.
Other names: c.1870C>T, p.Arg624Cys (NM_001193465.2, NM_001193466.2, NM_001379198.1); short protein forms R624C.
Identifiers: ClinVar variation 578019 (VCV000578019.11), dbSNP rs368180304, ClinGen allele CA8618691.

ClinVar aggregate classification (germline): Uncertain significance (1 of 4 stars; one submission).

Conditions:
Koolen-de Vries syndrome (KDVS). Identifiers: Orphanet 96169, MedGen C1864871, MONDO:0012496, OMIM 610443.

Allele frequency attached by ClinVar (database versions not stated): gnomAD exomes 0.00003 and 0.00005; TOPMed 0.00003; gnomAD 0.00004; ExAC 0.00006; ESP Exome Variant Server 0.00008.
gnomAD v4.1: 48 of 1,613,516 alleles (0.003%); highest among the groups gnomAD compares: Middle Eastern, 0.049%; no homozygotes.

Submission:

Labcorp Genetics (formerly Invitae), Labcorp
Classification: Uncertain significance for Koolen-de Vries syndrome. Last evaluated: 2024-12-09. Review status: criteria provided, single submitter. Criteria: Invitae Variant Classification Sherloc (09022015). Collection method: clinical testing. Allele origin: germline.
Comment: This sequence change replaces arginine, which is basic and polar, with cysteine, which is neutral and slightly polar, at codon 624 of the KANSL1 protein (p.Arg624Cys). This variant is present in population databases (rs368180304, gnomAD 0.007%). This variant has not been reported in the literature in individuals affected with KANSL1-related conditions. ClinVar contains an entry for this variant (Variation ID: 578019). Invitae Evidence Modeling of protein sequence and biophysical properties (such as structural, functional, and spatial information, amino acid conservation, physicochemical variation, residue mobility, and thermodynamic stability) indicates that this missense variant is not expected to disrupt KANSL1 protein function with a negative predictive value of 80%. In summary, the available evidence is currently insufficient to determine the role of this variant in disease. Therefore, it has been classified as a Variant of Uncertain Significance.